The following is an entry in ClinVar:

ClinVar aggregate classification (germline): Uncertain significance (1 of 4 stars; one submission).

Submission:

Foulkes Cancer Genetics LDI, Lady Davis Institute for Medical Research
Classification: Uncertain significance. Last evaluated: 2019-07-01. Review status: criteria provided, single submitter. Criteria: ACMG Guidelines, 2015. Collection method: curation. Allele origin: unknown. Affected: yes. Observed: 1 variant allele.
Comment: ACMG criteria met: PM1, PM2, PP3, BP1

Literature cited by the submitters: PubMed 30072170.

NM_177438.3(DICER1):c.5489T>C (p.Val1830Ala)

Gene: DICER1 (dicer 1, ribonuclease III; minus strand). Cytogenetic location: 14q32.13.
Variant type: single nucleotide variant.
Coding change: c.5489T>C on transcript NM_177438.3 (MANE Select); coding-DNA position 5489, T replaced by C.
Protein change: p.Val1830Ala; replaces valine 1830 with alanine.
Molecular consequence: missense variant. On other transcripts: intron variant (1).
Genome position (GRCh38, 1-based): chr14:95,091,241, A>G on the plus strand (T>C on the coding strand, the complement: DICER1 is on the minus strand). VCF-style: chr14-95091241-A-G. GRCh37 (hg19) VCF-style: chr14-95557578-A-G.
Other names: c.5489T>C, p.Val1830Ala (NM_001271282.3, NM_001291628.2, NM_030621.4); c.5365-132T>C (NM_001195573.1); short protein forms V1830A.
Identifiers: ClinVar variation 933128 (VCV000933128.2), dbSNP rs1889795825, ClinGen allele CA390864540.